The following is an entry in ClinVar:

ClinVar aggregate classification (germline): Uncertain significance (1 of 4 stars; one submission).

Conditions:
Neurofibromatosis, type 1 (NF1). Also called: Neurofibromatosis, type I; Peripheral type neurofibromatosis; VON RECKLINGHAUSEN DISEASE; NEUROFIBROMATOSIS, TYPE I, SOMATIC. Identifiers: Orphanet 636, MedGen C0027831, MONDO:0018975, OMIM 162200. Disease mechanism: loss of function.

Allele frequency attached by ClinVar (database versions not stated): TOPMed below 0.00001; gnomAD 0.00001.
gnomAD v4.1: 1 of 1,611,678 alleles (0.000062%); highest among the groups gnomAD compares: Admixed American, 0.0017%; no homozygotes.

Submission:

Labcorp Genetics (formerly Invitae), Labcorp
Classification: Uncertain significance for Neurofibromatosis, type 1. Last evaluated: 2021-01-20. Review status: criteria provided, single submitter. Criteria: Invitae Variant Classification Sherloc (09022015). Collection method: clinical testing. Allele origin: germline.
Comment: This variant is not present in population databases (ExAC no frequency). This sequence change replaces methionine with isoleucine at codon 817 of the NF1 protein (p.Met817Ile). The methionine residue is moderately conserved and there is a small physicochemical difference between methionine and isoleucine. This variant has not been reported in the literature in individuals with NF1-related conditions. Advanced modeling of protein sequence and biophysical properties (such as structural, functional, and spatial information, amino acid conservation, physicochemical variation, residue mobility, and thermodynamic stability) performed at Invitae indicates that this missense variant is not expected to disrupt NF1 protein function. In summary, the available evidence is currently insufficient to determine the role of this variant in disease. Therefore, it has been classified as a Variant of Uncertain Significance.

NM_001042492.3(NF1):c.2451G>A (p.Met817Ile)

Gene: NF1 (neurofibromin 1; plus strand). Cytogenetic location: 17q11.2.
Variant type: single nucleotide variant.
Coding change: c.2451G>A on transcript NM_001042492.3 (MANE Select); coding-DNA position 2451, G replaced by A.
Protein change: p.Met817Ile; replaces methionine 817 with isoleucine.
Molecular consequence: missense variant.
Genome position (GRCh38, 1-based): chr17:31,229,066, G>A. VCF-style: chr17-31229066-G-A. GRCh37 (hg19) VCF-style: chr17-29556084-G-A.
Other names: c.2451G>A, p.Met817Ile (NM_000267.4); short protein forms M817I.
Identifiers: ClinVar variation 1508601 (VCV001508601.8), dbSNP rs1300226301, ClinGen allele CA398983925.
Genomic context (GRCh38, chr17:31,229,066, plus strand): 5'-ACAAAAATTTTGTGTTTAGGCTGCTGAAAGCCTTCACAAGACCATTGTTAAGAGGCGAAT[G>A]TCCCATGTGAGTGGAGGAGGATCCATAGATTTGTCTGACACAGACTCCCTACAGGAATGG-3'
Protein context (NP_001035957.1, residues 807-827): SLHKTIVKRR[Met817Ile]SHVSGGGSID